The following is an entry in ClinVar:

NM_001035.3(RYR2):c.6441-124A>G

Gene: RYR2 (ryanodine receptor 2; plus strand). Cytogenetic location: 1q43.
Variant type: single nucleotide variant.
Coding change: c.6441-124A>G on transcript NM_001035.3 (MANE Select); 124 bases into the intron before coding-DNA position 6441, A replaced by G.
Molecular consequence: intron variant.
Genome position (GRCh38, 1-based): chr1:237,631,303, A>G. VCF-style: chr1-237631303-A-G. GRCh37 (hg19) VCF-style: chr1-237794603-A-G.
Identifiers: ClinVar variation 671772 (VCV000671772.2), dbSNP rs1759123, ClinGen allele CA10948827.
Genomic context (GRCh38, chr1:237,631,303, plus strand): 5'-TGGTAAATTATCAATATTTTTGAGGAAAACAATTACATTCATTAATTTTTGTGGCTTATT[A>G]AATACTGTGATTGCTTTTACTTTTCAACTCACATAAATTATTTCTAAAAGATTTATGAGG-3'

ClinVar aggregate classification (germline): Benign. Review status: criteria provided, multiple submitters, no conflicts (2 of 4 stars). 2 submissions from 2 submitters: Benign (2). Last evaluated 2018-06-15.

Allele frequency attached by ClinVar (database versions not stated): 1000 Genomes Project 30x 0.61134; 1000 Genomes Project 0.61502; TOPMed 0.62617; gnomAD 0.63115 and 0.63743; gnomAD exomes 0.71735.
gnomAD v4.1: 448,045 of 641,754 alleles (70%); highest among the groups gnomAD compares: South Asian, 76%; 159,742 homozygotes.

Submissions (2):

GeneDx
Classification: Benign. Last evaluated: 2018-06-15. Review status: criteria provided, single submitter. Criteria: GeneDx Variant Classification (06012015). Collection method: clinical testing. Allele origin: germline. Affected: yes.
Comment: This variant is considered likely benign or benign based on one or more of the following criteria: it is a conservative change, it occurs at a poorly conserved position in the protein, it is predicted to be benign by multiple in silico algorithms, and/or has population frequency not consistent with disease.

Breakthrough Genomics
Classification: Benign. Review status: criteria provided, single submitter. Criteria: ACMG Guidelines, 2015. Collection method: not provided. Allele origin: germline. Inheritance: Autosomal dominant inheritance. Affected: yes.